The following is an entry in ClinVar:

NM_014053.4(FLVCR1):c.798C>G (p.Asp266Glu)

Gene: FLVCR1 (FLVCR choline and heme transporter 1; plus strand). Cytogenetic location: 1q32.3.
Variant type: single nucleotide variant.
Coding change: c.798C>G on transcript NM_014053.4 (MANE Select); coding-DNA position 798, C replaced by G.
Protein change: p.Asp266Glu; replaces aspartic acid 266 with glutamic acid.
Molecular consequence: missense variant.
Genome position (GRCh38, 1-based): chr1:212,863,784, C>G. VCF-style: chr1-212863784-C-G. GRCh37 (hg19) VCF-style: chr1-213037126-C-G.
Other names: short protein forms D266E.
Identifiers: ClinVar variation 1905727 (VCV001905727.5), dbSNP rs1025750397, ClinGen allele CA36870768.

ClinVar aggregate classification (germline): Uncertain significance (1 of 4 stars; one submission).

gnomAD v4.1: 5 of 1,613,788 alleles (0.00031%); highest among the groups gnomAD compares: Non-Finnish European, 0.00042%; no homozygotes.

Submission:

Labcorp Genetics (formerly Invitae), Labcorp
Classification: Uncertain significance. Last evaluated: 2022-09-27. Review status: criteria provided, single submitter. Criteria: Invitae Variant Classification Sherloc (09022015). Collection method: clinical testing. Allele origin: germline.
Comment: Algorithms developed to predict the effect of missense changes on protein structure and function (SIFT, PolyPhen-2, Align-GVGD) all suggest that this variant is likely to be tolerated. This variant has not been reported in the literature in individuals affected with FLVCR1-related conditions. This variant is present in population databases (no rsID available, gnomAD no frequency). This sequence change replaces aspartic acid, which is acidic and polar, with glutamic acid, which is acidic and polar, at codon 266 of the FLVCR1 protein (p.Asp266Glu). In summary, the available evidence is currently insufficient to determine the role of this variant in disease. Therefore, it has been classified as a Variant of Uncertain Significance.